The following is an entry in ClinVar:

NM_018127.7(ELAC2):c.1576C>T (p.Arg526Cys)

Gene: ELAC2 (elaC ribonuclease Z 2; minus strand). Cytogenetic location: 17p12.
Variant type: single nucleotide variant.
Coding change: c.1576C>T on transcript NM_018127.7 (MANE Select); coding-DNA position 1576, C replaced by T.
Protein change: p.Arg526Cys; replaces arginine 526 with cysteine.
Molecular consequence: missense variant.
Genome position (GRCh38, 1-based): chr17:12,996,630, G>A on the plus strand (C>T on the coding strand, the complement: ELAC2 is on the minus strand). VCF-style: chr17-12996630-G-A. GRCh37 (hg19) VCF-style: chr17-12899947-G-A.
Other names: c.1456C>T, p.Arg486Cys (NM_001165962.2); c.1573C>T, p.Arg525Cys (NM_173717.2); short protein forms R486C, R526C, R525C.
Identifiers: ClinVar variation 1507158 (VCV001507158.7), dbSNP rs760945874, ClinGen allele CA8401148.

ClinVar aggregate classification (germline): Uncertain significance (1 of 4 stars; one submission).

Conditions:
Combined oxidative phosphorylation defect type 17. Also called: Combined oxidative phosphorylation deficiency 17. Identifiers: Orphanet 369913, MedGen C3809526, MONDO:0014190, OMIM 615440.

Allele frequency attached by ClinVar (database versions not stated): gnomAD exomes below 0.00001 and 0.00001; TOPMed 0.00001; ExAC 0.00002; gnomAD 0.00003.

Submission:

Labcorp Genetics (formerly Invitae), Labcorp
Classification: Uncertain significance for Combined oxidative phosphorylation defect type 17. Last evaluated: 2022-07-31. Review status: criteria provided, single submitter. Criteria: Invitae Variant Classification Sherloc (09022015). Collection method: clinical testing. Allele origin: germline.
Comment: ClinVar contains an entry for this variant (Variation ID: 1507158). In summary, the available evidence is currently insufficient to determine the role of this variant in disease. Therefore, it has been classified as a Variant of Uncertain Significance. Algorithms developed to predict the effect of missense changes on protein structure and function are either unavailable or do not agree on the potential impact of this missense change (SIFT: "Deleterious"; PolyPhen-2: "Probably Damaging"; Align-GVGD: "Class C15"). This variant has not been reported in the literature in individuals affected with ELAC2-related conditions. This variant is present in population databases (rs760945874, gnomAD 0.02%). This sequence change replaces arginine, which is basic and polar, with cysteine, which is neutral and slightly polar, at codon 526 of the ELAC2 protein (p.Arg526Cys).